The following is an entry in ClinVar:

ClinVar aggregate classification (germline): Uncertain significance (1 of 4 stars; one submission).

Allele frequency attached by ClinVar (database versions not stated): gnomAD exomes below 0.00001; TOPMed below 0.00001; ExAC 0.00001; gnomAD 0.00001.
gnomAD v4.1: 3 of 1,613,874 alleles (0.00019%); highest among the groups gnomAD compares: Non-Finnish European, 0.00025%; no homozygotes.

Submission:

Ambry Genetics
Classification: Uncertain significance. Last evaluated: 2024-01-01. Review status: criteria provided, single submitter. Criteria: Ambry Variant Classification Scheme 2023. Collection method: clinical testing. Allele origin: germline.
Comment: The p.E1770G variant (also known as c.5309A>G), located in coding exon 16 of the POLQ gene, results from an A to G substitution at nucleotide position 5309. The glutamic acid at codon 1770 is replaced by glycine, an amino acid with similar properties. This amino acid position is conserved. In addition, this alteration is predicted to be tolerated by in silico analysis. Since supporting evidence is limited at this time, the clinical significance of this alteration remains unclear.

NM_199420.4(POLQ):c.5309A>G (p.Glu1770Gly)

Gene: POLQ (DNA polymerase theta; minus strand). Cytogenetic location: 3q13.33.
Variant type: single nucleotide variant.
Coding change: c.5309A>G on transcript NM_199420.4 (MANE Select); coding-DNA position 5309, A replaced by G.
Protein change: p.Glu1770Gly; replaces glutamic acid 1770 with glycine.
Molecular consequence: missense variant.
Genome position (GRCh38, 1-based): chr3:121,487,622, T>C on the plus strand (A>G on the coding strand, the complement: POLQ is on the minus strand). VCF-style: chr3-121487622-T-C. GRCh37 (hg19) VCF-style: chr3-121206469-T-C.
Other names: short protein forms E1770G.
Identifiers: ClinVar variation 1746739 (VCV001746739.2), dbSNP rs779938795, ClinGen allele CA2562744.